The following is an entry in ClinVar:

NM_002382.5(MAX):c.13del (p.Asp5fs)

Genes: MAX (MYC associated transcriptional regulator X; minus strand), LOC130055850 (ATAC-STARR-seq lymphoblastoid silent region 5847; plus strand). Cytogenetic location: 14q23.3.
Variant type: Deletion.
Coding change: c.13del on transcript NM_002382.5 (MANE Select); coding-DNA position 13, one base deleted (G; older notation c.13delG).
Protein change: p.Asp5fs; shifts the reading frame from aspartic acid 5.
Molecular consequence: frameshift variant. On other transcripts: 5 prime UTR variant (2), intron variant (2).
Genome position (GRCh38, 1-based): chr14:65,102,327, C deleted on the plus strand (G on the coding strand, the reverse complement: MAX is on the minus strand). VCF-style (leftmost placement, unchanged base first): chr14-65102326-TC-T. GRCh37 (hg19) VCF-style: chr14-65569044-TC-T.
Other names: c.13del, p.Asp5fs (NM_001271068.2, NM_001271069.2, NM_001407094.1 and 18 more transcripts); c.-262del (NM_001320415.2); c.-235del (NM_001407107.1); c.-305+182del (NM_001407112.1); c.-239+182del (NM_001407106.1); short protein forms D5fs.
Identifiers: ClinVar variation 3543693 (VCV003543693.1).

ClinVar aggregate classification (germline): Pathogenic (1 of 4 stars; one submission).

Conditions:
Hereditary cancer-predisposing syndrome. Also called: Hereditary Cancer Syndrome; Hereditary neoplastic syndrome; Tumor predisposition; Neoplastic Syndromes, Hereditary. Identifiers: Orphanet 140162, MedGen C0027672, MeSH D009386, MONDO:0015356.

Submission:

Ambry Genetics
Classification: Pathogenic for Hereditary cancer-predisposing syndrome. Last evaluated: 2024-08-29. Review status: criteria provided, single submitter. Criteria: Ambry Variant Classification Scheme 2023. Collection method: clinical testing. Allele origin: germline.
Comment: The c.13delG pathogenic mutation, located in coding exon 1 of the MAX gene, results from a deletion of one nucleotide at nucleotide position 13, causing a translational frameshift with a predicted alternate stop codon (p.D5Mfs*60). This variant is considered to be rare based on population cohorts in the Genome Aggregation Database (gnomAD). This alteration is expected to result in loss of function by premature protein truncation or nonsense-mediated mRNA decay. As such, this alteration is interpreted as a disease-causing mutation.